The following is an entry in ClinVar:

ClinVar aggregate classification (germline): Uncertain significance (1 of 4 stars; one submission).

Conditions:
Hereditary cancer-predisposing syndrome. Also called: Hereditary Cancer Syndrome; Hereditary neoplastic syndrome; Neoplastic Syndromes, Hereditary; Tumor predisposition. Identifiers: Orphanet 140162, MedGen C0027672, MeSH D009386, MONDO:0015356.

Submission:

Ambry Genetics
Classification: Uncertain significance for Hereditary cancer-predisposing syndrome. Last evaluated: 2021-10-01. Review status: criteria provided, single submitter. Criteria: Ambry Variant Classification Scheme 2023. Collection method: clinical testing. Allele origin: germline.
Comment: The p.K466Q variant (also known as c.1396A>C), located in coding exon 13 of the BAP1 gene, results from an A to C substitution at nucleotide position 1396. The lysine at codon 466 is replaced by glutamine, an amino acid with similar properties. This amino acid position is well conserved in available vertebrate species. In addition, this alteration is predicted to be tolerated by in silico analysis. Since supporting evidence is limited at this time, the clinical significance of this alteration remains unclear.

NM_004656.4(BAP1):c.1396A>C (p.Lys466Gln)

Gene: BAP1 (BRCA1 associated deubiquitinase 1; minus strand). Cytogenetic location: 3p21.1.
Variant type: single nucleotide variant.
Coding change: c.1396A>C on transcript NM_004656.4 (MANE Select); coding-DNA position 1396, A replaced by C.
Protein change: p.Lys466Gln; replaces lysine 466 with glutamine.
Molecular consequence: missense variant.
Genome position (GRCh38, 1-based): chr3:52,403,749, T>G on the plus strand (A>C on the coding strand, the complement: BAP1 is on the minus strand). VCF-style: chr3-52403749-T-G. GRCh37 (hg19) VCF-style: chr3-52437765-T-G.
Other names: c.1342A>C, p.Lys448Gln (NM_001410772.1); short protein forms K448Q, K466Q.
Identifiers: ClinVar variation 1771641 (VCV001771641.2), dbSNP rs2153226736, ClinGen allele CA353101628.